The following is an entry in ClinVar:

ClinVar aggregate classification (germline): Conflicting classifications of pathogenicity. Review status: criteria provided, conflicting classifications (1 of 4 stars). 3 submissions from 3 submitters: Uncertain significance (2); Likely benign (1). Last evaluated 2025-12-23.

Conditions:
Hereditary cancer-predisposing syndrome. Also called: Hereditary Cancer Syndrome; Neoplastic Syndromes, Hereditary; Hereditary neoplastic syndrome; Tumor predisposition. Identifiers: Orphanet 140162, MedGen C0027672, MeSH D009386, MONDO:0015356.
POLD1-related polyposis and colorectal cancer syndrome (CRCS10). Also called: COLORECTAL CANCER, SUSCEPTIBILITY TO, ON CHROMOSOME 19q; Colorectal cancer 10; Colorectal cancer, susceptibility to, 10. Identifiers: Orphanet 220460, MedGen C2675481, MONDO:0012953, OMIM 612591.

Allele frequency attached by ClinVar (database versions not stated): ExAC 0.00001; gnomAD exomes 0.00001; gnomAD 0.00002 and 0.00003; TOPMed 0.00002.

Submissions (3):

Labcorp Genetics (formerly Invitae), Labcorp
Classification: Uncertain significance for POLD1-related polyposis and colorectal cancer syndrome. Last evaluated: 2025-12-23. Review status: criteria provided, single submitter. Criteria: Invitae Variant Classification Sherloc (09022015). Collection method: clinical testing. Allele origin: germline.
Comment: This sequence change replaces valine, which is neutral and non-polar, with methionine, which is neutral and non-polar, at codon 533 of the POLD1 protein (p.Val533Met). This variant is present in population databases (rs758602573, gnomAD 0.003%). This variant has not been reported in the literature in individuals affected with POLD1-related conditions. ClinVar contains an entry for this variant (Variation ID: 239246). Invitae Evidence Modeling of protein sequence and biophysical properties (such as structural, functional, and spatial information, amino acid conservation, physicochemical variation, residue mobility, and thermodynamic stability) indicates that this missense variant is not expected to disrupt POLD1 protein function with a negative predictive value of 80%. In summary, the available evidence is currently insufficient to determine the role of this variant in disease. Therefore, it has been classified as a Variant of Uncertain Significance.

Baylor Genetics
Classification: Uncertain significance for POLD1-related polyposis and colorectal cancer syndrome. Last evaluated: 2023-07-10. Review status: criteria provided, single submitter. Criteria: ACMG Guidelines, 2015. Collection method: clinical testing. Allele origin: unknown.

Ambry Genetics
Classification: Likely benign for Hereditary cancer-predisposing syndrome. Last evaluated: 2018-04-11. Review status: criteria provided, single submitter. Criteria: Ambry Variant Classification Scheme 2023. Collection method: clinical testing. Allele origin: germline.

NM_002691.4(POLD1):c.1597G>A (p.Val533Met)

Gene: POLD1 (DNA polymerase delta 1, catalytic subunit; plus strand). Cytogenetic location: 19q13.33.
Variant type: single nucleotide variant.
Coding change: c.1597G>A on transcript NM_002691.4 (MANE Select); coding-DNA position 1597, G replaced by A.
Protein change: p.Val533Met; replaces valine 533 with methionine.
Molecular consequence: missense variant. On other transcripts: non-coding transcript variant (1).
Genome position (GRCh38, 1-based): chr19:50,407,085, G>A. VCF-style: chr19-50407085-G-A. GRCh37 (hg19) VCF-style: chr19-50910342-G-A.
Other names: c.1597G>A, p.Val533Met (NM_001256849.1, NM_001308632.1); short protein forms V533M.
Identifiers: ClinVar variation 239246 (VCV000239246.14), dbSNP rs758602573, ClinGen allele CA9596186.
Genomic context (GRCh38, chr19:50,407,085, plus strand): 5'-CTGAAGGATGCCTACCTGCCACTGCGGCTGCTGGAGCGGCTCATGGTGCTGGTGAACGCC[G>A]TGGAGATGGCGAGGGTCACTGGCGTGCCCCTCAGCTACCTGCTCAGTCGTGGCCAGCAGG-3'
Protein context (NP_002682.2, residues 523-543): LERLMVLVNA[Val533Met]EMARVTGVPL